The following is an entry in ClinVar:

NM_006593.4(TBR1):c.1589_1595dup (p.Gly533fs)

Genes: TBR1 (T-box brain transcription factor 1; plus strand), LOC129935026 (ATAC-STARR-seq lymphoblastoid silent region 12060; plus strand). Cytogenetic location: 2q24.2.
Variant type: Duplication.
Coding change: c.1589_1595dup on transcript NM_006593.4 (MANE Select); coding-DNA positions 1589 to 1595, 7 bases duplicated (GCTGCAC; older notation c.1589_1595dupGCTGCAC).
Protein change: p.Gly533fs; shifts the reading frame from glycine 533.
Molecular consequence: frameshift variant.
Genome position (GRCh38, 1-based): chr2:161,423,767-161,423,773, GCTGCAC duplicated. VCF-style (leftmost placement, unchanged base first): chr2-161423766-G-GGCTGCAC. GRCh37 (hg19) VCF-style: chr2-162280277-G-GGCTGCAC.
Other names: short protein forms G533fs.
Identifiers: ClinVar variation 4710709 (VCV004710709.1).
Genomic context (GRCh38, chr2:161,423,766, plus strand): 5'-GCGGCCACGCTGCTCTCTTACGCGGCGGCGGGCGTGAAGGCGCTGCCGCTGCAGGCTGCA[G>GGCTGCAC]GCTGCACTGGCCGCCCGCTCGGCTACTACGCCGACCCGTCGGGCTGGGGCGCCCGCAGTC-3'

ClinVar aggregate classification (germline): Pathogenic (1 of 4 stars; one submission).

Submission:

Labcorp Genetics (formerly Invitae), Labcorp
Classification: Pathogenic. Last evaluated: 2025-12-27. Review status: criteria provided, single submitter. Criteria: Invitae Variant Classification Sherloc (09022015). Collection method: clinical testing. Allele origin: germline.
Comment: This sequence change creates a premature translational stop signal (p.Gly533Leufs*143) in the TBR1 gene. While this is not anticipated to result in nonsense mediated decay, it is expected to disrupt the last 150 amino acid(s) of the TBR1 protein. This variant is not present in population databases (gnomAD no frequency). This premature translational stop signal has been observed in individual(s) with TBR1-related conditions (PMID: 38448025). This variant disrupts a region of the TBR1 protein in which other variant(s) (p.Gln552Alafs*122) have been determined to be pathogenic (PMID: 32005960). This suggests that this is a clinically significant region of the protein, and that variants that disrupt it are likely to be disease-causing. For these reasons, this variant has been classified as Pathogenic.

Literature cited by the submitters: PubMed 38448025; PubMed 32005960.